The following is an entry in ClinVar:

NM_014634.4(PPM1F):c.644C>G (p.Thr215Ser)

Gene: PPM1F (protein phosphatase, Mg2+/Mn2+ dependent 1F; minus strand). Cytogenetic location: 22q11.22.
Variant type: single nucleotide variant.
Coding change: c.644C>G on transcript NM_014634.4 (MANE Select); coding-DNA position 644, C replaced by G.
Protein change: p.Thr215Ser; replaces threonine 215 with serine.
Molecular consequence: missense variant.
Genome position (GRCh38, 1-based): chr22:21,933,494, G>C on the plus strand (C>G on the coding strand, the complement: PPM1F is on the minus strand). VCF-style: chr22-21933494-G-C. GRCh37 (hg19) VCF-style: chr22-22287866-G-C.
Other names: c.140C>G, p.Thr47Ser (NM_001410836.1); short protein forms T215S, T47S.
Identifiers: ClinVar variation 2289406 (VCV002289406.4), dbSNP rs756668925, ClinGen allele CA10125069.
Genomic context (GRCh38, chr22:21,933,494, plus strand): 5'-AAGGCTTCTCTGAGGGCTCCCTCAGGGTCTGTGGGCAGCTCTGGCTGGCGGGCAGCGTTG[G>C]TGTGCACGTGGACAGCGGCGTACCTCGCAGCATCCACGCCTCCGTGACCATCAAACACAG-3'
Protein context (NP_055449.1, residues 205-225): AARYAAVHVH[Thr215Ser]NAARQPELPT

ClinVar aggregate classification (germline): Uncertain significance. Review status: criteria provided, multiple submitters, no conflicts (2 of 4 stars). 2 submissions from 2 submitters: Uncertain significance (2). Last evaluated 2025-11-03.

Allele frequency attached by ClinVar (database versions not stated): gnomAD 0.00001; ExAC 0.00001.

Submissions (2):

Labcorp Genetics (formerly Invitae), Labcorp
Classification: Uncertain significance. Last evaluated: 2025-11-03. Review status: criteria provided, single submitter. Criteria: Invitae Variant Classification Sherloc (09022015). Collection method: clinical testing. Allele origin: germline.
Comment: This sequence change replaces threonine, which is neutral and polar, with serine, which is neutral and polar, at codon 215 of the PPM1F protein (p.Thr215Ser). This variant is present in population databases (rs756668925, gnomAD 0.01%). This variant has not been reported in the literature in individuals affected with PPM1F-related conditions. ClinVar contains an entry for this variant (Variation ID: 2289406). An algorithm developed to predict the effect of missense changes on protein structure and function (PolyPhen-2) suggests that this variant is likely to be tolerated. In summary, the available evidence is currently insufficient to determine the role of this variant in disease. Therefore, it has been classified as a Variant of Uncertain Significance.

Ambry Genetics
Classification: Uncertain significance. Last evaluated: 2022-05-11. Review status: criteria provided, single submitter. Criteria: Ambry Variant Classification Scheme 2023. Collection method: clinical testing. Allele origin: germline.